The following is an entry in ClinVar:

NM_014849.5(SV2A):c.1458G>A (p.Val486=)

Gene: SV2A (synaptic vesicle glycoprotein 2A; minus strand). Cytogenetic location: 1q21.2.
Variant type: single nucleotide variant.
Coding change: c.1458G>A on transcript NM_014849.5 (MANE Select); coding-DNA position 1458, G replaced by A.
Protein change: p.Val486=; no amino-acid change (valine 486 retained).
Molecular consequence: synonymous variant.
Genome position (GRCh38, 1-based): chr1:149,908,128, C>T on the plus strand (G>A on the coding strand, the complement: SV2A is on the minus strand). VCF-style: chr1-149908128-C-T. GRCh37 (hg19) VCF-style: chr1-149879680-C-T.
Other names: c.1458G>A, p.Val486= (NM_001328674.2, NM_001328675.2).
Identifiers: ClinVar variation 2639152 (VCV002639152.24), dbSNP rs782671277, ClinGen allele CA420663335.

ClinVar aggregate classification (germline): Likely benign (1 of 4 stars; one submission).

gnomAD v4.1: 4 of 1,614,194 alleles (0.00025%); highest among the groups gnomAD compares: Non-Finnish European, 0.00034%; no homozygotes.

Submission:

CeGaT Center for Human Genetics Tuebingen
Classification: Likely benign. Last evaluated: 2023-01-01. Review status: criteria provided, single submitter. Criteria: CeGaT Center For Human Genetics Tuebingen Variant Classification Criteria Version 2. Collection method: clinical testing. Allele origin: germline. Affected: yes. Observed: 1 variant allele.
Comment: SV2A: PM2:Supporting, BP4, BP7